The following is an entry in ClinVar:

ClinVar aggregate classification (germline): Likely pathogenic (1 of 4 stars; one submission).

Conditions:
Fabry disease. Also called: ALPHA-GALACTOSIDASE A DEFICIENCY; ANDERSON-FABRY DISEASE; CERAMIDE TRIHEXOSIDASE DEFICIENCY; GLA DEFICIENCY; HEREDITARY DYSTOPIC LIPIDOSIS; Angiokeratoma corporis diffusum. Identifiers: Orphanet 324, MedGen C0002986, MONDO:0010526, OMIM 301500, HP:0001071. Disease mechanism: Fabry disease is due to inactivating mutations in the X-linked GLA gene resulting in deficiency of the enzyme Alpha Galactosidase-A., loss of function.

Submission:

Genomenon, Inc
Classification: Likely pathogenic for Fabry disease. Last evaluated: 2026-09-08. Review status: criteria provided, single submitter. Criteria: Genomenon Sequence Variant Interpretation Standards - Updated. Collection method: curation. Allele origin: germline. Affected: yes.
Comment: GLA p.Thr400_Ser401dup (c.1197_1202dup) is an in-frame duplication variant that results in the duplication of Threonine at codon 400 and Serine at codon 401. This variant has been observed in at least one proband with clinical features consistent with Fabry disease (PMID:12778775). The variant was found to segregate with disease in at least one affected family (PMID:12778775). Functional or patient cell studies have been reported (PMID:27657681). It is absent or not present at a significant frequency in gnomAD. In conclusion, we classify GLA p.Thr400_Ser401dup (c.1197_1202dup) as a likely pathogenic variant.

Literature cited by the submitters: PubMed 12778775; PubMed 27657681.

NM_000169.3(GLA):c.1197_1202dup (p.Ser401_Arg402insThrSer)

Genes: GLA (galactosidase alpha; minus strand), RPL36A-HNRNPH2 (RPL36A-HNRNPH2 readthrough; plus strand). Cytogenetic location: Xq22.1.
Variant type: Duplication.
Coding change: c.1197_1202dup on transcript NM_000169.3 (MANE Select); coding-DNA positions 1197 to 1202, 6 bases duplicated (GACTTC; older notation c.1197_1202dupGACTTC).
Protein change: p.Ser401_Arg402insThrSer.
Molecular consequence: inframe insertion. On other transcripts: non-coding transcript variant (3), intron variant (2).
Genome position (GRCh38, 1-based): chrX:101,397,897-101,397,902, GAAGTC duplicated on the plus strand (GACTTC on the coding strand, the reverse complement: GLA is on the minus strand). VCF-style (leftmost placement, unchanged base first): chrX-101397896-T-TGAAGTC. GRCh37 (hg19) VCF-style: chrX-100652884-T-TGAAGTC.
Other names: c.1320_1325dup, p.Ser442_Arg443insThrSer (NM_001406747.1); c.300+2440_300+2445dup (NM_001199973.2); c.177+6075_177+6080dup (NM_001199974.2).
Identifiers: ClinVar variation 4087247 (VCV004087247.2).